The following is an entry in ClinVar:

ClinVar aggregate classification (germline): Uncertain significance (1 of 4 stars; one submission).

Allele frequency attached by ClinVar (database versions not stated): gnomAD exomes below 0.00001; TOPMed below 0.00001; gnomAD 0.00001.
gnomAD v4.1: 2 of 1,613,838 alleles (0.00012%); highest among the groups gnomAD compares: Admixed American, 0.0033%; no homozygotes.

Submission:

Labcorp Genetics (formerly Invitae), Labcorp
Classification: Uncertain significance. Last evaluated: 2022-04-22. Review status: criteria provided, single submitter. Criteria: Invitae Variant Classification Sherloc (09022015). Collection method: clinical testing. Allele origin: germline.
Comment: In summary, the available evidence is currently insufficient to determine the role of this variant in disease. Therefore, it has been classified as a Variant of Uncertain Significance. Algorithms developed to predict the effect of sequence changes on RNA splicing suggest that this variant may disrupt the consensus splice site. Algorithms developed to predict the effect of missense changes on protein structure and function are either unavailable or do not agree on the potential impact of this missense change (SIFT: "Deleterious"; PolyPhen-2: "Probably Damaging"; Align-GVGD: "Class C0"). This variant has not been reported in the literature in individuals affected with WDR1-related conditions. This variant is present in population databases (no rsID available, gnomAD 0.1%). This sequence change replaces aspartic acid, which is acidic and polar, with glycine, which is neutral and non-polar, at codon 113 of the WDR1 protein (p.Asp113Gly).

NM_017491.5(WDR1):c.338A>G (p.Asp113Gly)

Gene: WDR1 (WD repeat domain 1; minus strand). Cytogenetic location: 4p16.1.
Variant type: single nucleotide variant.
Coding change: c.338A>G on transcript NM_017491.5 (MANE Select); coding-DNA position 338, A replaced by G.
Protein change: p.Asp113Gly; replaces aspartic acid 113 with glycine.
Molecular consequence: missense variant. On other transcripts: intron variant (1).
Genome position (GRCh38, 1-based): chr4:10,099,031, T>C on the plus strand (A>G on the coding strand, the complement: WDR1 is on the minus strand). VCF-style: chr4-10099031-T-C. GRCh37 (hg19) VCF-style: chr4-10100655-T-C.
Other names: c.139-10290A>G (NM_005112.5); short protein forms D113G.
Identifiers: ClinVar variation 1931427 (VCV001931427.5), dbSNP rs1260211980, ClinGen allele CA356363522.